The following is an entry in ClinVar:

NM_000492.4(CFTR):c.4327C>T (p.Pro1443Ser)

Genes: CFTR (CF transmembrane conductance regulator; plus strand), LOC111674477 (CFTR intron 23 enhancer; plus strand). Cytogenetic location: 7q31.2.
Variant type: single nucleotide variant.
Coding change: c.4327C>T on transcript NM_000492.4 (MANE Select); coding-DNA position 4327, C replaced by T.
Protein change: p.Pro1443Ser; replaces proline 1443 with serine.
Molecular consequence: missense variant.
Genome position (GRCh38, 1-based): chr7:117,666,992, C>T. VCF-style: chr7-117666992-C-T. GRCh37 (hg19) VCF-style: chr7-117307046-C-T.
Other names: short protein forms P1443S.
Identifiers: ClinVar variation 1432315 (VCV001432315.10), dbSNP rs1336644939, ClinGen allele CA368984891.

ClinVar aggregate classification (germline): Conflicting classifications of pathogenicity. Review status: criteria provided, conflicting classifications (1 of 4 stars). 2 submissions from 2 submitters: Uncertain significance (1); Likely benign (1). Last evaluated 2022-09-02.

Conditions:
Cystic fibrosis (CF). Also called: MUCOVISCIDOSIS. Identifiers: Orphanet 586, MedGen C0010674, MONDO:0009061, OMIM 219700. Disease mechanism: loss of function.

Allele frequency attached by ClinVar (database versions not stated): TOPMed below 0.00001.

Submissions (2):

Ambry Genetics
Classification: Likely benign for Cystic fibrosis. Last evaluated: 2022-09-02. Review status: criteria provided, single submitter. Criteria: Ambry Variant Classification Scheme 2023. Collection method: clinical testing. Allele origin: germline.

Labcorp Genetics (formerly Invitae), Labcorp
Classification: Uncertain significance for Cystic fibrosis. Last evaluated: 2022-06-07. Review status: criteria provided, single submitter. Criteria: Invitae Variant Classification Sherloc (09022015). Collection method: clinical testing. Allele origin: germline.
Comment: This variant is present in population databases (no rsID available, gnomAD 0.0009%). This sequence change replaces proline, which is neutral and non-polar, with serine, which is neutral and polar, at codon 1443 of the CFTR protein (p.Pro1443Ser). This variant has not been reported in the literature in individuals affected with CFTR-related conditions. Algorithms developed to predict the effect of missense changes on protein structure and function output the following: SIFT: "Tolerated"; PolyPhen-2: "Benign"; Align-GVGD: "Class C0". The serine amino acid residue is found in multiple mammalian species, which suggests that this missense change does not adversely affect protein function. In summary, the available evidence is currently insufficient to determine the role of this variant in disease. Therefore, it has been classified as a Variant of Uncertain Significance.